The following is an entry in ClinVar:

NM_015512.5(DNAH1):c.8879G>C (p.Gly2960Ala)

Gene: DNAH1 (dynein axonemal heavy chain 1; plus strand). Cytogenetic location: 3p21.1.
Variant type: single nucleotide variant.
Coding change: c.8879G>C on transcript NM_015512.5 (MANE Select); coding-DNA position 8879, G replaced by C.
Protein change: p.Gly2960Ala; replaces glycine 2960 with alanine.
Molecular consequence: missense variant.
Genome position (GRCh38, 1-based): chr3:52,386,729, G>C. VCF-style: chr3-52386729-G-C. GRCh37 (hg19) VCF-style: chr3-52420745-G-C.
Other names: short protein forms G2960A.
Identifiers: ClinVar variation 840738 (VCV000840738.7), dbSNP rs780656736, ClinGen allele CA353192324.

ClinVar aggregate classification (germline): Uncertain significance (1 of 4 stars; one submission).

Conditions:
Spermatogenic failure 18. Identifiers: MedGen C4539783, MONDO:0054615, OMIM 617576.
Ciliary dyskinesia, primary, 37 (CILD37). Also called: CILIARY DYSKINESIA, PRIMARY, 37, WITH OR WITHOUT SITUS INVERSUS. Identifiers: MedGen C4539798, MONDO:0033204, OMIM 617577.

gnomAD v4.1: 3 of 1,591,072 alleles (0.00019%); highest among the groups gnomAD compares: East Asian, 0.0069%; no homozygotes.

Submission:

Labcorp Genetics (formerly Invitae), Labcorp
Classification: Uncertain significance for Ciliary dyskinesia, primary, 37; Spermatogenic failure 18. Last evaluated: 2019-02-20. Review status: criteria provided, single submitter. Criteria: Invitae Variant Classification Sherloc (09022015). Collection method: clinical testing. Allele origin: germline.
Comment: This sequence change replaces glycine with alanine at codon 2960 of the DNAH1 protein (p.Gly2960Ala). The glycine residue is moderately conserved and there is a small physicochemical difference between glycine and alanine. This variant is not present in population databases (ExAC no frequency). This variant has not been reported in the literature in individuals with DNAH1-related conditions. Algorithms developed to predict the effect of missense changes on protein structure and function (SIFT, PolyPhen-2, Align-GVGD) all suggest that this variant is likely to be tolerated, but these predictions have not been confirmed by published functional studies and their clinical significance is uncertain. In summary, the available evidence is currently insufficient to determine the role of this variant in disease. Therefore, it has been classified as a Variant of Uncertain Significance.